The following is an entry in ClinVar:

ClinVar aggregate classification (germline): Conflicting classifications of pathogenicity. Review status: criteria provided, conflicting classifications (1 of 4 stars). 18 submissions from 17 submitters: Uncertain significance (1); Benign (8); Likely benign (6). 3 of the submissions do not count toward it. Last evaluated 2026-09-01.

Conditions:
MYBPC3-related disorder. Also called: MYBPC3-related disorders; MYBPC3-related condition; MYBPC3-related disease.
Left ventricular noncompaction 10 (LVNC10). Identifiers: Orphanet 154, Orphanet 54260, MedGen C3715165, MONDO:0014163, OMIM 615396.
Cardiovascular phenotype. Identifiers: MedGen CN230736.
Cardiomyopathy (CMYO). Also called: Cardiomyopathies. Identifiers: Orphanet 167848, MedGen C0878544, MONDO:0004994, HP:0001638. Inheritance: Various modes of inheritance.
Hypertrophic cardiomyopathy 4. Also called: Familial hypertrophic cardiomyopathy 4. Identifiers: MedGen C1861862, MONDO:0007268, OMIM 115197.
Hypertrophic cardiomyopathy. Also called: HYPERTROPHIC MYOCARDIOPATHY. Identifiers: Orphanet 217569, MedGen C0007194, MeSH D002312, MONDO:0005045, HP:0001639.

Allele frequency attached by ClinVar (database versions not stated): gnomAD exomes 0.00073 and 0.00026; 1000 Genomes Project 0.00080; TOPMed 0.00074; 1000 Genomes Project 30x 0.00109; ExAC 0.00054; gnomAD 0.00058 and 0.00061.
gnomAD v4.1: 488 of 1,609,328 alleles (0.03%); highest among the groups gnomAD compares: Admixed American, 0.34%; 5 homozygotes.

Submissions (18):

CeGaT Center for Human Genetics Tuebingen
Classification: Likely benign. Last evaluated: 2026-09-01. Review status: criteria provided, single submitter. Criteria: CeGaT Center For Human Genetics Tuebingen Variant Classification Criteria Version 2. Collection method: clinical testing. Allele origin: germline. Affected: yes. Observed: 8 variant alleles.
Comment: MYBPC3: BP4, BP7

Molecular Diagnostic Laboratory for Inherited Cardiovascular Disease, Montreal Heart Institute
Classification: Benign. Last evaluated: 2026-03-27. Review status: criteria provided, single submitter. Criteria: ACMG Guidelines, 2015. Collection method: clinical testing. Allele origin: germline. Affected: no.
Comment: BS1;BP7

Labcorp Genetics (formerly Invitae), Labcorp
Classification: Benign for Hypertrophic cardiomyopathy. Last evaluated: 2026-02-04. Review status: criteria provided, single submitter. Criteria: Invitae Variant Classification Sherloc (09022015). Collection method: clinical testing. Allele origin: germline.

Mayo Clinic Laboratories, Mayo Clinic
Classification: Benign. Last evaluated: 2024-12-24. Review status: criteria provided, single submitter. Criteria: ACMG Guidelines, 2015. Collection method: clinical testing. Allele origin: germline. Observed: 2 variant alleles.
Comment: BS1, BS2

Blueprint Genetics
Classification: Likely benign. Last evaluated: 2024-11-13. Review status: criteria provided, single submitter. Criteria: ACMG Guidelines, 2015. Collection method: clinical testing. Allele origin: germline.

All of Us Research Program, National Institutes of Health
Classification: Benign for Hypertrophic cardiomyopathy. Last evaluated: 2024-02-05. Review status: criteria provided, single submitter. Criteria: ACMG Guidelines, 2015. Collection method: clinical testing. Allele origin: germline. Inheritance: Autosomal dominant inheritance. Observed: 96 variant alleles, 96 heterozygotes.
Comment: This study involves interpretation of variants in research participants for the purpose of population health screening. Participant phenotype was not available at the time of variant classification. Additional details can be found in publication PMID: 35346344, PMCID: PMC8962531

ARUP Laboratories, Molecular Genetics and Genomics, ARUP Laboratories
Classification: Likely benign. Last evaluated: 2023-06-28. Review status: criteria provided, single submitter. Criteria: ARUP Molecular Germline Variant Investigation Process 2024. Collection method: clinical testing. Allele origin: germline.

Ambry Genetics
Classification: Likely benign for Cardiovascular phenotype. Last evaluated: 2020-03-19. Review status: criteria provided, single submitter. Criteria: Ambry Variant Classification Scheme 2023. Collection method: clinical testing. Allele origin: germline.

Women's Health and Genetics/Laboratory Corporation of America, LabCorp
Classification: Benign. Last evaluated: 2018-09-17. Review status: criteria provided, single submitter. Criteria: LabCorp Variant Classification Summary - May 2015. Collection method: clinical testing. Allele origin: germline.
Comment: Variant summary: MYBPC3 c.3102C>T alters a non-conserved nucleotide resulting in a synonymous change. 5/5 computational tools predict no significant impact on normal splicing. However, these predictions have yet to be confirmed by functional studies. The variant allele was found at a frequency of 0.00067 in 273868 control chromosomes, predominantly at a frequency of 0.0033 within the Latino subpopulation in the gnomAD database. The observed variant frequency within Latino control individuals in the gnomAD database is approximately 3-folds higher than the estimated maximal expected allele frequency for a pathogenic variant in MYBPC3 causing Cardiomyopathy phenotype (0.001), strongly suggesting that the variant is a benign polymorphism found primarily in populations of Latino origin. To our knowledge, no occurrence of c.3102C>T in individuals affected with Cardiomyopathy and no experimental evidence demonstrating its impact on protein function have been reported. Three ClinVar submissions from clinical diagnostic laboratories (evaluation after 2014) cites the variant twice as likely benign/bening and once as uncertain significance.Based on the evidence outlined above, the variant was classified as benign.

Color Diagnostics, LLC DBA Color Health
Classification: Benign for Cardiomyopathy. Last evaluated: 2018-05-21. Review status: criteria provided, single submitter. Criteria: ACMG Guidelines, 2015. Collection method: clinical testing. Allele origin: germline.

Illumina Laboratory Services, Illumina
Classification: Uncertain significance for Hypertrophic cardiomyopathy 4. Last evaluated: 2018-01-13. Review status: criteria provided, single submitter. Criteria: ICSL Variant Classification Criteria 13 December 2019. Collection method: clinical testing. Allele origin: germline.

Illumina Laboratory Services, Illumina
Classification: Benign for Left ventricular noncompaction 10. Last evaluated: 2018-01-13. Review status: criteria provided, single submitter. Criteria: ICSL Variant Classification Criteria 13 December 2019. Collection method: clinical testing. Allele origin: germline.
Comment: This variant was observed in the ICSL laboratory as part of a predisposition screen in an ostensibly healthy population. It had not been previously curated by ICSL or reported in the Human Gene Mutation Database (HGMD: prior to June 1st, 2018), and was therefore a candidate for classification through an automated scoring system. Utilizing variant allele frequency, disease prevalence and penetrance estimates, and inheritance mode, an automated score was calculated to assess if this variant is too frequent to cause the disease. Based on the score and internal cut-off values, a variant classified as benign is not then subjected to further curation. The score for this variant resulted in a classification of benign for this disease.

CHEO Genetics Diagnostic Laboratory, Children's Hospital of Eastern Ontario
Classification: Likely benign for Cardiomyopathy. Last evaluated: 2017-12-18. Review status: criteria provided, single submitter. Criteria: ACMG Guidelines, 2015. Collection method: clinical testing. Allele origin: germline.

Laboratory for Molecular Medicine, Mass General Brigham Personalized Medicine
Classification: Likely benign. Last evaluated: 2015-11-19. Review status: criteria provided, single submitter. Criteria: LMM Criteria. Collection method: clinical testing. Allele origin: germline. Observed: 4 variant alleles.
Comment: p.Ala1034Ala in exon 29 of MYBPC3: This variant is not expected to have clinical significance because it does not alter an amino acid residue and is not located within the splice consensus sequence. It has been identified in 0.2% (26/11544) of Latino chromosomes by the Exome Aggregation Consortium (ExAC; dbSNP rs200663253).

GeneDx
Classification: Benign. Last evaluated: 2015-03-03. Review status: criteria provided, single submitter. Criteria: GeneDx Variant Classification Process June 2021. Collection method: clinical testing. Allele origin: germline. Affected: yes.

PreventionGenetics, part of Exact Sciences
Classification: Likely benign for MYBPC3-related condition. Last evaluated: 2019-04-09. Review status: no assertion criteria provided. Collection method: clinical testing. Allele origin: germline. Not counted in ClinVar's aggregate classification.
Comment: This variant is classified as likely benign based on ACMG/AMP sequence variant interpretation guidelines (Richards et al. 2015 PMID: 25741868, with internal and published modifications).

Clinical Genetics DNA and cytogenetics Diagnostics Lab, Erasmus MC, Erasmus Medical Center
Classification: Likely benign. Review status: no assertion criteria provided. Collection method: clinical testing. Allele origin: germline. Affected: yes. Study: VKGL Data-share Consensus. Not counted in ClinVar's aggregate classification.

Genome Diagnostics Laboratory, University Medical Center Utrecht
Classification: Likely benign. Review status: no assertion criteria provided. Collection method: clinical testing. Allele origin: germline. Affected: yes. Study: VKGL Data-share Consensus. Not counted in ClinVar's aggregate classification.

NM_000256.3(MYBPC3):c.3102C>T (p.Ala1034=)

Gene: MYBPC3 (myosin binding protein C3; minus strand). Cytogenetic location: 11p11.2.
Variant type: single nucleotide variant.
Coding change: c.3102C>T on transcript NM_000256.3 (MANE Select); coding-DNA position 3102, C replaced by T.
Protein change: p.Ala1034=; no amino-acid change (alanine 1034 retained).
Molecular consequence: synonymous variant.
Genome position (GRCh38, 1-based): chr11:47,333,645, G>A on the plus strand (C>T on the coding strand, the complement: MYBPC3 is on the minus strand). VCF-style: chr11-47333645-G-A. GRCh37 (hg19) VCF-style: chr11-47355196-G-A.
Other names: p.Ala1034=.
Identifiers: ClinVar variation 42687 (VCV000042687.66), dbSNP rs200663253, ClinGen allele CA013476.